The following is an entry in ClinVar:

ClinVar aggregate classification (germline): Uncertain significance (1 of 4 stars; one submission).

Allele frequency attached by ClinVar (database versions not stated): gnomAD exomes below 0.00001; TOPMed below 0.00001; gnomAD 0.00001.

Submission:

Labcorp Genetics (formerly Invitae), Labcorp
Classification: Uncertain significance. Last evaluated: 2023-01-26. Review status: criteria provided, single submitter. Criteria: Invitae Variant Classification Sherloc (09022015). Collection method: clinical testing. Allele origin: germline.
Comment: The frequency data for this variant in the population databases is considered unreliable, as metrics indicate poor data quality at this position in the gnomAD database. In summary, the available evidence is currently insufficient to determine the role of this variant in disease. Therefore, it has been classified as a Variant of Uncertain Significance. Algorithms developed to predict the effect of missense changes on protein structure and function are either unavailable or do not agree on the potential impact of this missense change (SIFT: "Deleterious"; PolyPhen-2: "Possibly Damaging"; Align-GVGD: "Class C0"). This variant has not been reported in the literature in individuals affected with ARHGEF1-related conditions. This sequence change replaces arginine, which is basic and polar, with glutamine, which is neutral and polar, at codon 261 of the ARHGEF1 protein (p.Arg261Gln).

NM_004706.4(ARHGEF1):c.737G>A (p.Arg246Gln)

Gene: ARHGEF1 (Rho guanine nucleotide exchange factor 1; plus strand). Cytogenetic location: 19q13.2.
Variant type: single nucleotide variant.
Coding change: c.737G>A on transcript NM_004706.4 (MANE Select); coding-DNA position 737, G replaced by A.
Protein change: p.Arg246Gln; replaces arginine 246 with glutamine.
Molecular consequence: missense variant. On other transcripts: non-coding transcript variant (2).
Genome position (GRCh38, 1-based): chr19:41,894,299, G>A. VCF-style: chr19-41894299-G-A. GRCh37 (hg19) VCF-style: chr19-42398372-G-A.
Other names: c.737G>A, p.Arg246Gln (NM_001396000.1, NM_001396003.1, NM_001396006.1); c.638G>A, p.Arg213Gln (NM_001396002.1, NM_001396004.1, NM_198977.2); c.782G>A, p.Arg261Gln (NM_199002.2); short protein forms R213Q, R246Q, R261Q.
Identifiers: ClinVar variation 3005162 (VCV003005162.3), dbSNP rs1555847036, ClinGen allele CA406051939.
Genomic context (GRCh38, chr19:41,894,299, plus strand): 5'-TGCGCCACCTTGGGGTGCGGACCAAGAGTGGAGACAAGAAGTCGGGGAGGAACTTCTTCC[G>A]GAAAAAGGTGCTTCCCTCAGTGCCCCGTCCTGACCCTTTCCTCTCCAGAGACGCCCTGGG-3'
Protein context (NP_004697.2, residues 236-256): GDKKSGRNFF[Arg246Gln]KKVMGNRRSD